The following is an entry in ClinVar:

ClinVar aggregate classification (germline): Uncertain significance (1 of 4 stars; one submission).

Conditions:
Actin accumulation myopathy (CMYO2A). Also called: CONGENITAL MYOPATHY 2A, TYPICAL, AUTOSOMAL DOMINANT; Nemaline myopathy type 3; Myopathy, actin, congenital, with excess of thin myofilaments; Myopathy, actin, congenital, with cores; Nemaline myopathy 3, with intranuclear rods. Identifiers: Orphanet 98904, MedGen C3711389, MONDO:0008070, OMIM 161800.

Submission:

Labcorp Genetics (formerly Invitae), Labcorp
Classification: Uncertain significance for Actin accumulation myopathy. Last evaluated: 2025-03-05. Review status: criteria provided, single submitter. Criteria: Invitae Variant Classification Sherloc (09022015). Collection method: clinical testing. Allele origin: germline.
Comment: This sequence change replaces glutamic acid, which is acidic and polar, with alanine, which is neutral and non-polar, at codon 169 of the ACTA1 protein (p.Glu169Ala). This variant is not present in population databases (gnomAD no frequency). This variant has not been reported in the literature in individuals affected with ACTA1-related conditions. Invitae Evidence Modeling of protein sequence and biophysical properties (such as structural, functional, and spatial information, amino acid conservation, physicochemical variation, residue mobility, and thermodynamic stability) has been performed for this missense variant. However, the output from this modeling did not meet the statistical confidence thresholds required to predict the impact of this variant on ACTA1 protein function. This variant disrupts the p.Glu169 amino acid residue in ACTA1. Other variant(s) that disrupt this residue have been determined to be pathogenic (internal data). This suggests that this residue is clinically significant, and that variants that disrupt this residue are likely to be disease-causing. In summary, the available evidence is currently insufficient to determine the role of this variant in disease. Therefore, it has been classified as a Variant of Uncertain Significance.

NM_001100.4(ACTA1):c.506A>C (p.Glu169Ala)

Gene: ACTA1 (actin alpha 1, skeletal muscle; minus strand). Cytogenetic location: 1q42.13.
Variant type: single nucleotide variant.
Coding change: c.506A>C on transcript NM_001100.4 (MANE Select); coding-DNA position 506, A replaced by C.
Protein change: p.Glu169Ala; replaces glutamic acid 169 with alanine.
Molecular consequence: missense variant.
Genome position (GRCh38, 1-based): chr1:229,432,380, T>G on the plus strand (A>C on the coding strand, the complement: ACTA1 is on the minus strand). VCF-style: chr1-229432380-T-G. GRCh37 (hg19) VCF-style: chr1-229568127-T-G.
Other names: short protein forms E169A.
Identifiers: ClinVar variation 4743976 (VCV004743976.1).